The following is an entry in ClinVar:

NM_014994.3(MAPKBP1):c.1641C>T (p.Ala547=)

Gene: MAPKBP1 (mitogen-activated protein kinase binding protein 1; plus strand). Cytogenetic location: 15q15.1.
Variant type: single nucleotide variant.
Coding change: c.1641C>T on transcript NM_014994.3 (MANE Select); coding-DNA position 1641, C replaced by T.
Protein change: p.Ala547=; no amino-acid change (alanine 547 retained).
Molecular consequence: synonymous variant. On other transcripts: non-coding transcript variant (2).
Genome position (GRCh38, 1-based): chr15:41,816,965, C>T. VCF-style: chr15-41816965-C-T. GRCh37 (hg19) VCF-style: chr15-42109163-C-T.
Other names: c.1659C>T, p.Ala553= (NM_001128608.2); c.1641C>T, p.Ala547= (NM_001265611.2).
Identifiers: ClinVar variation 758128 (VCV000758128.9), dbSNP rs148142279, ClinGen allele CA7497892.
Genomic context (GRCh38, chr15:41,816,965, plus strand): 5'-CCCAGGTCTGAAACTGCTAGCATCGGCGAGCCGGGACCGGCTGATCCATGTGCTGGATGC[C>T]GGGCGGGAGTACAGCCTACAGCAGACGCTGGACGAACACTCATCCTCCATCACTGCTGTT-3'
Protein context (NP_055809.2, residues 537-557): SRDRLIHVLD[Ala547=]GREYSLQQTL

ClinVar aggregate classification (germline): Likely benign. Review status: criteria provided, single submitter (1 of 4 stars). 2 submissions from 2 submitters: Likely benign (1). 1 of the submissions does not count toward it. Last evaluated 2025-09-08.

Conditions:
MAPKBP1-related disorder. Also called: MAPKBP1-related condition.

Allele frequency attached by ClinVar (database versions not stated): gnomAD exomes 0.00012 and 0.00018; gnomAD 0.00015 and 0.00016; TOPMed 0.00017; ExAC 0.00019; ESP Exome Variant Server 0.00023.
gnomAD v4.1: 205 of 1,612,616 alleles (0.013%); highest among the groups gnomAD compares: Middle Eastern, 0.23%; no homozygotes.

Submissions (2):

Labcorp Genetics (formerly Invitae), Labcorp
Classification: Likely benign. Last evaluated: 2025-09-08. Review status: criteria provided, single submitter. Criteria: Invitae Variant Classification Sherloc (09022015). Collection method: clinical testing. Allele origin: germline.

PreventionGenetics, part of Exact Sciences
Classification: Likely benign for MAPKBP1-related condition. Last evaluated: 2020-11-27. Review status: no assertion criteria provided. Collection method: clinical testing. Allele origin: germline. Not counted in ClinVar's aggregate classification.
Comment: This variant is classified as likely benign based on ACMG/AMP sequence variant interpretation guidelines (Richards et al. 2015 PMID: 25741868, with internal and published modifications).